The following is an entry in ClinVar:

NM_001231.5(CASQ1):c.406G>A (p.Glu136Lys)

Gene: CASQ1 (calsequestrin 1; plus strand). Cytogenetic location: 1q23.2.
Variant type: single nucleotide variant.
Coding change: c.406G>A on transcript NM_001231.5 (MANE Select); coding-DNA position 406, G replaced by A.
Protein change: p.Glu136Lys; replaces glutamic acid 136 with lysine.
Molecular consequence: missense variant.
Genome position (GRCh38, 1-based): chr1:160,193,788, G>A. VCF-style: chr1-160193788-G-A. GRCh37 (hg19) VCF-style: chr1-160163578-G-A.
Other names: short protein forms E136K.
Identifiers: ClinVar variation 2130847 (VCV002130847.4), dbSNP rs749949715, ClinGen allele CA343253860.

ClinVar aggregate classification (germline): Uncertain significance (1 of 4 stars; one submission).

gnomAD v4.1: 1 of 1,613,022 alleles (0.000062%); highest among the groups gnomAD compares: Non-Finnish European, 0.000085%; no homozygotes.

Submission:

Labcorp Genetics (formerly Invitae), Labcorp
Classification: Uncertain significance. Last evaluated: 2022-10-04. Review status: criteria provided, single submitter. Criteria: Invitae Variant Classification Sherloc (09022015). Collection method: clinical testing. Allele origin: germline.
Comment: In summary, the available evidence is currently insufficient to determine the role of this variant in disease. Therefore, it has been classified as a Variant of Uncertain Significance. Advanced modeling of protein sequence and biophysical properties (such as structural, functional, and spatial information, amino acid conservation, physicochemical variation, residue mobility, and thermodynamic stability) performed at Invitae indicates that this missense variant is not expected to disrupt CASQ1 protein function. This variant has not been reported in the literature in individuals affected with CASQ1-related conditions. This variant is not present in population databases (gnomAD no frequency). This sequence change replaces glutamic acid, which is acidic and polar, with lysine, which is basic and polar, at codon 136 of the CASQ1 protein (p.Glu136Lys).